The following is an entry in ClinVar:

NM_001385012.1(NBEA):c.1528G>A (p.Asp510Asn)

Gene: NBEA (neurobeachin; plus strand). Cytogenetic location: 13q13.3.
Variant type: single nucleotide variant.
Coding change: c.1528G>A on transcript NM_001385012.1 (MANE Select); coding-DNA position 1528, G replaced by A.
Protein change: p.Asp510Asn; replaces aspartic acid 510 with asparagine.
Molecular consequence: missense variant.
Genome position (GRCh38, 1-based): chr13:35,070,809, G>A. VCF-style: chr13-35070809-G-A. GRCh37 (hg19) VCF-style: chr13-35644946-G-A.
Other names: c.1528G>A, p.Asp510Asn (NM_001379245.1, NM_015678.5); short protein forms D510N.
Identifiers: ClinVar variation 3234401 (VCV003234401.20), dbSNP rs776917463, ClinGen allele CA6946273.
Genomic context (GRCh38, chr13:35,070,809, plus strand): 5'-CATAGTGCAATTCATTCAATTGGAGGGATTCAAGTGCTTTTTCCACTTTTTGCCCAATTG[G>A]ATAATAGGCAGCTCAATGACAGTCAAGTGGAAACAACTGTCTGGTAAGTTTTCTTTGCAT-3'
Protein context (NP_001371941.1, residues 500-520): QVLFPLFAQL[Asp510Asn]NRQLNDSQVE

ClinVar aggregate classification (germline): Likely benign (1 of 4 stars; one submission).

Allele frequency attached by ClinVar (database versions not stated): gnomAD 0.00001; ExAC 0.00002; gnomAD exomes 0.00003.
gnomAD v4.1: 37 of 1,610,200 alleles (0.0023%); highest among the groups gnomAD compares: Non-Finnish European, 0.0031%; no homozygotes.

Submission:

CeGaT Center for Human Genetics Tuebingen
Classification: Likely benign. Last evaluated: 2024-04-01. Review status: criteria provided, single submitter. Criteria: CeGaT Center For Human Genetics Tuebingen Variant Classification Criteria Version 2. Collection method: clinical testing. Allele origin: germline. Affected: yes. Observed: 1 variant allele.
Comment: NBEA: BS2